The following is an entry in ClinVar:

ClinVar aggregate classification (germline): Uncertain significance. Review status: criteria provided, multiple submitters, no conflicts (2 of 4 stars). 2 submissions from 2 submitters: Uncertain significance (2). Last evaluated 2026-02-23.

Conditions:
Inborn genetic diseases. Identifiers: MedGen C0950123, MeSH D030342.
Generalized epilepsy-paroxysmal dyskinesia syndrome (PNKD3). Also called: Paroxysmal nonkinesigenic dyskinesia, 3, with or without generalized epilepsy; Generalized epilepsy and paroxysmal dyskinesia. Identifiers: Orphanet 79137, MedGen C5574945, MONDO:0012276, OMIM 609446.

Allele frequency attached by ClinVar (database versions not stated): gnomAD exomes 0.00001.
gnomAD v4.1: 8 of 1,613,894 alleles (0.0005%); highest among the groups gnomAD compares: South Asian, 0.0011%; no homozygotes.

Submissions (2):

Ambry Genetics
Classification: Uncertain significance for Inborn genetic diseases. Last evaluated: 2026-02-23. Review status: criteria provided, single submitter. Criteria: Ambry Variant Classification Scheme 2023. Collection method: clinical testing. Allele origin: germline.

Labcorp Genetics (formerly Invitae), Labcorp
Classification: Uncertain significance for Generalized epilepsy-paroxysmal dyskinesia syndrome. Last evaluated: 2024-07-01. Review status: criteria provided, single submitter. Criteria: Invitae Variant Classification Sherloc (09022015). Collection method: clinical testing. Allele origin: germline.
Comment: This sequence change replaces proline, which is neutral and non-polar, with leucine, which is neutral and non-polar, at codon 78 of the KCNMA1 protein (p.Pro78Leu). This variant is not present in population databases (gnomAD no frequency). This variant has not been reported in the literature in individuals affected with KCNMA1-related conditions. ClinVar contains an entry for this variant (Variation ID: 2104685). An algorithm developed to predict the effect of missense changes on protein structure and function (PolyPhen-2) suggests that this variant is likely to be tolerated. In summary, the available evidence is currently insufficient to determine the role of this variant in disease. Therefore, it has been classified as a Variant of Uncertain Significance.

NM_001161352.2(KCNMA1):c.233C>T (p.Pro78Leu)

Gene: KCNMA1 (potassium calcium-activated channel subfamily M alpha 1; minus strand). Cytogenetic location: 10q22.3.
Variant type: single nucleotide variant.
Coding change: c.233C>T on transcript NM_001161352.2 (MANE Select); coding-DNA position 233, C replaced by T.
Protein change: p.Pro78Leu; replaces proline 78 with leucine.
Molecular consequence: missense variant.
Genome position (GRCh38, 1-based): chr10:77,637,410, G>A on the plus strand (C>T on the coding strand, the complement: KCNMA1 is on the minus strand). VCF-style: chr10-77637410-G-A. GRCh37 (hg19) VCF-style: chr10-79397168-G-A.
Other names: c.233C>T (NM_002247.3); c.233C>T, p.Pro78Leu (NM_001014797.3, NM_001161353.2, NM_001271518.2 and 13 more transcripts); short protein forms P78L.
Identifiers: ClinVar variation 2104685 (VCV002104685.5), dbSNP rs1760330958, ClinGen allele CA377412488.